The following is an entry in ClinVar:

ClinVar aggregate classification (germline): Uncertain significance (1 of 4 stars; one submission).

Conditions:
Inborn genetic diseases. Identifiers: MedGen C0950123, MeSH D030342.

Submission:

Ambry Genetics
Classification: Uncertain significance for Inborn genetic diseases. Last evaluated: 2025-03-16. Review status: criteria provided, single submitter. Criteria: Ambry Variant Classification Scheme 2023. Collection method: clinical testing. Allele origin: germline.
Comment: The p.L327F variant (also known as c.981G>C), located in coding exon 10 of the DDX41 gene, results from a G to C substitution at nucleotide position 981. The leucine at codon 327 is replaced by phenylalanine, an amino acid with highly similar properties. This amino acid position is conserved. In addition, this alteration is predicted to be tolerated by in silico analysis. Based on the available evidence, the clinical significance of this variant remains unclear.

NM_016222.4(DDX41):c.981G>C (p.Leu327Phe)

Gene: DDX41 (DEAD-box helicase 41; minus strand). Cytogenetic location: 5q35.3.
Variant type: single nucleotide variant.
Coding change: c.981G>C on transcript NM_016222.4 (MANE Select); coding-DNA position 981, G replaced by C.
Protein change: p.Leu327Phe; replaces leucine 327 with phenylalanine.
Molecular consequence: missense variant.
Genome position (GRCh38, 1-based): chr5:177,513,802, C>G on the plus strand (G>C on the coding strand, the complement: DDX41 is on the minus strand). VCF-style: chr5-177513802-C-G. GRCh37 (hg19) VCF-style: chr5-176940803-C-G.
Other names: c.603G>C, p.Leu201Phe (NM_001321732.2, NM_001321830.2); short protein forms L201F, L327F.
Identifiers: ClinVar variation 4010264 (VCV004010264.1).